The following is an entry in ClinVar:

ClinVar aggregate classification (germline): Uncertain significance (1 of 4 stars; one submission).

Submission:

GeneDx
Classification: Uncertain significance. Last evaluated: 2024-05-23. Review status: criteria provided, single submitter. Criteria: GeneDx Variant Classification Process June 2021. Collection method: clinical testing. Allele origin: germline. Affected: yes.
Comment: Not observed at significant frequency in large population cohorts (gnomAD); In silico analysis supports that this missense variant has a deleterious effect on protein structure/function; Has not been previously published as pathogenic or benign to our knowledge

NM_001378974.1(FBXW11):c.910G>T (p.Val304Phe)

Gene: FBXW11 (F-box and WD repeat domain containing 11; minus strand). Cytogenetic location: 5q35.1.
Variant type: single nucleotide variant.
Coding change: c.910G>T on transcript NM_001378974.1 (MANE Select); coding-DNA position 910, G replaced by T.
Protein change: p.Val304Phe; replaces valine 304 with phenylalanine.
Molecular consequence: missense variant.
Genome position (GRCh38, 1-based): chr5:171,878,072, C>A on the plus strand (G>T on the coding strand, the complement: FBXW11 is on the minus strand). VCF-style: chr5-171878072-C-A. GRCh37 (hg19) VCF-style: chr5-171305076-C-A.
Other names: c.841G>T, p.Val281Phe (NM_001378975.1); c.814G>T, p.Val272Phe (NM_001378976.1); c.751G>T, p.Val251Phe (NM_001378977.1, NM_001378978.1, NM_001378979.1); c.745G>T, p.Val249Phe (NM_001378980.1, NM_033645.3); c.847G>T, p.Val283Phe (NM_012300.3); c.808G>T, p.Val270Phe (NM_033644.3); short protein forms V249F, V251F, V270F, V272F, V281F, V283F, V304F.
Identifiers: ClinVar variation 3381314 (VCV003381314.1).